The following is an entry in ClinVar:

NM_000355.4(TCN2):c.905T>C (p.Ile302Thr)

Gene: TCN2 (transcobalamin 2; plus strand). Cytogenetic location: 22q12.2.
Variant type: single nucleotide variant.
Coding change: c.905T>C on transcript NM_000355.4 (MANE Select); coding-DNA position 905, T replaced by C.
Protein change: p.Ile302Thr; replaces isoleucine 302 with threonine.
Molecular consequence: missense variant.
Genome position (GRCh38, 1-based): chr22:30,615,752, T>C. VCF-style: chr22-30615752-T-C. GRCh37 (hg19) VCF-style: chr22-31011739-T-C.
Other names: p.Ile302Thr; c.824T>C, p.Ile275Thr (NM_001184726.2); short protein forms I275T, I302T.
Identifiers: ClinVar variation 902214 (VCV000902214.7), dbSNP rs754330583, ClinGen allele CA10184880.
Genomic context (GRCh38, chr22:30,615,752, plus strand): 5'-CCTTCCAGAATGCTCTCATGATTTCCCAGCTGCTGCCCGTTCTGAACCACAAGACCTACA[T>C]TGATCTGATCTTCCCAGACTGTCTGGCACCACGAGGTAGCCCAACTTTTTGTGGAAGCAC-3'
Protein context (NP_000346.2, residues 292-312): LLPVLNHKTY[Ile302Thr]DLIFPDCLAP

ClinVar aggregate classification (germline): Uncertain significance. Review status: criteria provided, multiple submitters, no conflicts (2 of 4 stars). 3 submissions from 3 submitters: Uncertain significance (3). Last evaluated 2025-12-17.

Conditions:
Transcobalamin II deficiency (TCN2D). Also called: Transcolabamin II deficiency; TC II DEFICIENCY; TCN2 DEFICIENCY. Identifiers: Orphanet 859, MedGen C0342701, MONDO:0010149, OMIM 275350.

Allele frequency attached by ClinVar (database versions not stated): ExAC 0.00001; gnomAD exomes 0.00001 and 0.00002; TOPMed 0.00001.

Submissions (3):

Mayo Clinic Laboratories, Mayo Clinic
Classification: Uncertain significance. Last evaluated: 2025-12-17. Review status: criteria provided, single submitter. Criteria: ACMG Guidelines, 2015. Collection method: clinical testing. Allele origin: germline. Observed: 1 variant allele.
Comment: BP4_moderate

Labcorp Genetics (formerly Invitae), Labcorp
Classification: Uncertain significance for Transcobalamin II deficiency. Last evaluated: 2022-05-27. Review status: criteria provided, single submitter. Criteria: Invitae Variant Classification Sherloc (09022015). Collection method: clinical testing. Allele origin: germline.
Comment: This sequence change replaces isoleucine, which is neutral and non-polar, with threonine, which is neutral and polar, at codon 302 of the TCN2 protein (p.Ile302Thr). This variant is present in population databases (rs754330583, gnomAD 0.03%). This variant has not been reported in the literature in individuals affected with TCN2-related conditions. ClinVar contains an entry for this variant (Variation ID: 902214). Algorithms developed to predict the effect of missense changes on protein structure and function are either unavailable or do not agree on the potential impact of this missense change (SIFT: "Deleterious"; PolyPhen-2: "Benign"; Align-GVGD: "Class C0"). In summary, the available evidence is currently insufficient to determine the role of this variant in disease. Therefore, it has been classified as a Variant of Uncertain Significance.

Illumina Laboratory Services, Illumina
Classification: Uncertain significance for Transcobalamin II deficiency. Last evaluated: 2018-01-12. Review status: criteria provided, single submitter. Criteria: ICSL Variant Classification Criteria 13 December 2019. Collection method: clinical testing. Allele origin: germline.